The following is an entry in ClinVar:

ClinVar aggregate classification (germline): Uncertain significance (1 of 4 stars; one submission).

Conditions:
Hereditary cancer-predisposing syndrome. Also called: Neoplastic Syndromes, Hereditary; Tumor predisposition; Hereditary Cancer Syndrome; Hereditary neoplastic syndrome. Identifiers: Orphanet 140162, MedGen C0027672, MeSH D009386, MONDO:0015356.

Submission:

Ambry Genetics
Classification: Uncertain significance for Hereditary cancer-predisposing syndrome. Last evaluated: 2026-02-27. Review status: criteria provided, single submitter. Criteria: Ambry Variant Classification Scheme 2023. Collection method: clinical testing. Allele origin: germline.
Comment: The p.N488K variant (also known as c.1464C>G), located in coding exon 6 of the BARD1 gene, results from a C to G substitution at nucleotide position 1464. The asparagine at codon 488 is replaced by lysine, an amino acid with similar properties. This amino acid position is conserved. In addition, the in silico prediction for this alteration is inconclusive. Based on the available evidence, the clinical significance of this variant remains unclear.

NM_000465.4(BARD1):c.1464C>G (p.Asn488Lys)

Gene: BARD1 (BRCA1 associated RING domain 1; minus strand). Cytogenetic location: 2q35.
Variant type: single nucleotide variant.
Coding change: c.1464C>G on transcript NM_000465.4 (MANE Select); coding-DNA position 1464, C replaced by G.
Protein change: p.Asn488Lys; replaces asparagine 488 with lysine.
Molecular consequence: missense variant. On other transcripts: non-coding transcript variant (3), intron variant (3).
Genome position (GRCh38, 1-based): chr2:214,767,586, G>C on the plus strand (C>G on the coding strand, the complement: BARD1 is on the minus strand). VCF-style: chr2-214767586-G-C. GRCh37 (hg19) VCF-style: chr2-215632310-G-C.
Other names: c.1407C>G, p.Asn469Lys (NM_001282543.2); c.159-15031C>G (NM_001282548.2); c.216-15031C>G (NM_001282545.2); c.364+24711C>G (NM_001282549.2); short protein forms N469K, N488K.
Identifiers: ClinVar variation 4826589 (VCV004826589.1).